The following is an entry in ClinVar:

ClinVar aggregate classification (germline): Conflicting classifications of pathogenicity. Review status: criteria provided, conflicting classifications (1 of 4 stars). 20 submissions from 20 submitters: Uncertain significance (2); Benign (7); Likely benign (9). 2 of the submissions do not count toward it. Last evaluated 2026-09-01.

Conditions:
Breast and/or ovarian cancer. Identifiers: MedGen CN221562.
Hereditary cancer-predisposing syndrome. Also called: Neoplastic Syndromes, Hereditary; Tumor predisposition; Hereditary neoplastic syndrome; Hereditary Cancer Syndrome. Identifiers: Orphanet 140162, MedGen C0027672, MeSH D009386, MONDO:0015356.
Familial cancer of breast. Also called: Hereditary breast cancer; hereditary breast carcinoma; BREAST CANCER, FAMILIAL. Identifiers: Orphanet 227535, MedGen C0346153, MONDO:0016419, OMIM 114480. Disease mechanism: loss of function.
Malignant tumor of breast. Also called: Malignant breast neoplasm; Cancer breast. Identifiers: MedGen C0006142, MONDO:0007254. Disease mechanism: loss of function.
Ataxia-telangiectasia syndrome (AT). Also called: Ataxia-telangiectasia, complementation group D; AT, COMPLEMENTATION GROUP C; Ataxia telangiectasia (A-T); LOUIS-BAR SYNDROME; Cerebello-oculocutaneous telangiectasia; Immunodeficiency with ataxia telangiectasia. Identifiers: Orphanet 100, MedGen C0004135, MONDO:0008840, OMIM 208900.

Allele frequency attached by ClinVar (database versions not stated): TOPMed 0.00013; 1000 Genomes Project 30x 0.00016; 1000 Genomes Project 0.00020; ESP Exome Variant Server 0.00023.
gnomAD v4.1: 368 of 1,613,642 alleles (0.023%); highest among the groups gnomAD compares: Middle Eastern, 1.2%; 4 homozygotes.

Submissions (20):

CeGaT Center for Human Genetics Tuebingen
Classification: Likely benign. Last evaluated: 2026-09-01. Review status: criteria provided, single submitter. Criteria: CeGaT Center For Human Genetics Tuebingen Variant Classification Criteria Version 2. Collection method: clinical testing. Allele origin: germline. Affected: yes. Observed: 11 variant alleles.
Comment: ATM: BP4

Labcorp Genetics (formerly Invitae), Labcorp
Classification: Benign for Ataxia-telangiectasia syndrome. Last evaluated: 2026-02-03. Review status: criteria provided, single submitter. Criteria: Invitae Variant Classification Sherloc (09022015). Collection method: clinical testing. Allele origin: germline.

Women's Health and Genetics/Laboratory Corporation of America, LabCorp
Classification: Likely benign. Last evaluated: 2025-11-28. Review status: criteria provided, single submitter. Criteria: LabCorp Variant Classification Summary - May 2015. Collection method: clinical testing. Allele origin: germline.
Comment: Variant summary: ATM c.3154-4G>A alters a nucleotide located at a position not widely known to affect splicing. Consensus agreement among computation tools predict no significant impact on normal splicing. However, these predictions have yet to be confirmed by functional studies. The variant allele was found at a frequency of 0.00023 in 1613642 control chromosomes in the gnomAD database, including 4 homozygotes. This frequency is not significantly higher than estimated for disease-causing variants in ATM, however the presence of homozygotes in controls suggest the variant is likely benign. c.3154-4G>A has been observed in individual(s) undergoing testing for Lynch and/or associated cancers (example, Yurgelun_2015, Grant_2015, Tung_2014, Pereira_2022). These report(s) do not provide unequivocal conclusions about association of the variant with Ataxia-telangiectasia syndrome. To our knowledge, no experimental evidence demonstrating an impact on protein function has been reported. The following publications have been ascertained in the context of this evaluation (PMID: 25479140, 25186627, 25980754, 35980532, 34299313, 32658311). ClinVar contains an entry for this variant (Variation ID: 142254). Based on the evidence outlined above, the variant was classified as likely benign.

Mayo Clinic Laboratories, Mayo Clinic
Classification: Benign. Last evaluated: 2025-10-16. Review status: criteria provided, single submitter. Criteria: ACMG Guidelines, 2015. Collection method: clinical testing. Allele origin: germline. Observed: 4 variant alleles.
Comment: BA1, BP4

Center for Genomic Medicine, Rigshospitalet, Copenhagen University Hospital
Classification: Likely benign. Last evaluated: 2025-03-04. Review status: criteria provided, single submitter. Criteria: ACMG Guidelines, 2015. Collection method: clinical testing. Allele origin: germline.

Blueprint Genetics
Classification: Likely benign. Last evaluated: 2024-11-19. Review status: criteria provided, single submitter. Criteria: ACMG Guidelines, 2015. Collection method: clinical testing. Allele origin: germline.

ARUP Laboratories, Molecular Genetics and Genomics, ARUP Laboratories
Classification: Uncertain significance. Last evaluated: 2024-06-25. Review status: criteria provided, single submitter. Criteria: ARUP Molecular Germline Variant Investigation Process 2024. Collection method: clinical testing. Allele origin: germline.

Myriad Genetics, Inc.
Classification: Benign for Familial cancer of breast. Last evaluated: 2024-05-13. Review status: criteria provided, single submitter. Criteria: Myriad Autosomal Dominant, Autosomal Recessive and X-Linked Classification Criteria (2023). Collection method: clinical testing. Allele origin: unknown.
Comment: This variant is considered benign. This variant is intronic and is not expected to impact mRNA splicing. This variant is strongly associated with less severe personal and family histories of cancer, typical for individuals without pathogenic variants in this gene [PMID: 25085752].

Athena Diagnostics
Classification: Benign. Last evaluated: 2024-01-25. Review status: criteria provided, single submitter. Criteria: Athena Diagnostics Criteria. Collection method: clinical testing. Allele origin: unknown.

KCCC/NGS Laboratory, Kuwait Cancer Control Center
Classification: Benign for Familial cancer of breast. Last evaluated: 2023-07-07. Review status: criteria provided, single submitter. Criteria: ACMG Guidelines, 2015. Collection method: clinical testing. Allele origin: germline. Affected: yes.

CHEO Genetics Diagnostic Laboratory, Children's Hospital of Eastern Ontario
Classification: Uncertain significance for Breast and/or ovarian cancer. Last evaluated: 2023-04-25. Review status: criteria provided, single submitter. Criteria: ACMG Guidelines, 2015. Collection method: clinical testing. Allele origin: germline.

Institute for Clinical Genetics, University Hospital TU Dresden, University Hospital TU Dresden
Classification: Likely benign. Last evaluated: 2021-11-03. Review status: criteria provided, single submitter. Criteria: ACMG Guidelines, 2015. Collection method: clinical testing. Allele origin: germline.

Sema4
Classification: Likely benign for Hereditary cancer-predisposing syndrome. Last evaluated: 2021-06-26. Review status: criteria provided, single submitter. Criteria: Sema4 Curation Guidelines. Collection method: curation. Allele origin: germline.

Genetic Services Laboratory, University of Chicago
Classification: Likely benign. Last evaluated: 2019-07-23. Review status: criteria provided, single submitter. Criteria: ACMG Guidelines, 2015. Collection method: clinical testing. Allele origin: germline. Affected: no.

Ambry Genetics
Classification: Likely benign for Hereditary cancer-predisposing syndrome. Last evaluated: 2018-09-27. Review status: criteria provided, single submitter. Criteria: Ambry Variant Classification Scheme 2023. Collection method: clinical testing. Allele origin: germline.

Quest Diagnostics Nichols Institute San Juan Capistrano
Classification: Benign. Last evaluated: 2018-03-28. Review status: criteria provided, single submitter. Criteria: Quest Diagnostics criteria. Collection method: clinical testing. Allele origin: unknown.

Color Diagnostics, LLC DBA Color Health
Classification: Likely benign for Hereditary cancer-predisposing syndrome. Last evaluated: 2015-12-10. Review status: criteria provided, single submitter. Criteria: ACMG Guidelines, 2015. Collection method: clinical testing. Allele origin: germline.

GeneDx
Classification: Benign. Last evaluated: 2014-08-07. Review status: criteria provided, single submitter. Criteria: GeneDx Variant Classification (06012015). Collection method: clinical testing. Allele origin: germline. Affected: yes.
Comment: This variant is considered likely benign or benign based on one or more of the following criteria: it is a conservative change, it occurs at a poorly conserved position in the protein, it is predicted to be benign by multiple in silico algorithms, and/or has population frequency not consistent with disease.

Natera, Inc.
Classification: Uncertain significance for Ataxia-telangiectasia. Last evaluated: 2020-01-10. Review status: no assertion criteria provided. Collection method: clinical testing. Allele origin: germline. Not counted in ClinVar's aggregate classification.

Department of Pathology and Laboratory Medicine, Sinai Health System
Classification: Likely benign for Malignant tumor of breast. Review status: no assertion criteria provided. Collection method: clinical testing. Allele origin: unknown. Affected: yes. Study: The Canadian Open Genetics Repository (COGR). Not counted in ClinVar's aggregate classification.
Comment: The ATM c.3154-4G>A variant was identified in 2 of 3100 proband chromosomes (frequency: 0.0006) from individuals or families with Lynch Syndrome and pancreatic cancer (Yurgelun 2015, Grant 2015). The variant was identified in dbSNP (rs199543313) as â€šÃ„Ãºwith uncertain significance alleleâ€šÃ„Ã¹, ClinVar (classified as likely benign by Invitae, Ambry Genetics and Color; as benign by GeneDx; and as uncertain significance by Integrated Genetics) and LOVD 3.0 (observed 1x). The variant was identified in control databases in 53 of 282,472 chromosomes at a frequency of 0.0002 (Genome Aggregation Database Feb 27, 2017). The variant was observed in the following populations: Other in 3 of 7206 chromosomes (freq: 0.0004), European in 36 of 128962 chromosomes (freq: 0.0003), Ashkenazi Jewish in 2 of 10,358 chromosomes (freq: 0.0002), Latino in 6 of 35,420 chromosomes (freq: 0.0002), South Asian in 4 of 30,602 chromosomes (freq: 0.0001), and African in 2 of 24,920 chromosomes (freq: 0.00008), while it was not observed in the East Asian or Finnish populations. The c.3154-4G>A variant is located in the 3' splice region but does not affect the invariant -1 and -2 positions, nor does it affect positions -3 and -5 to -12, which are part of the splicing consensus sequence and variants involving these positions sometimes affect splicing. In addition, c.3154-4G>A is a non-highly conserved nucleotide and 4 out of 4 in silico or computational prediction software programs (SpliceSiteFinder, MaxEntScan, NNSPLICE, GeneSplicer) do not predict a difference in splicing. In summary, based on the above information, the clinical significance of this variant cannot be determined with certainty at this time although we would lean towards a more benign role for this variant. This variant is classified as likely benign.

Literature cited by the submitters: PubMed 25980754 (cited by 3 submitters); PubMed 25479140 (cited by 3 submitters); PubMed 25186627 (cited by Women's Health and Genetics/Laboratory Corporation of America, LabCorp and Athena Diagnostics); PubMed 32658311 (cited by Women's Health and Genetics/Laboratory Corporation of America, LabCorp and Athena Diagnostics); PubMed 34299313 (cited by Women's Health and Genetics/Laboratory Corporation of America, LabCorp); PubMed 35980532 (cited by Women's Health and Genetics/Laboratory Corporation of America, LabCorp and Athena Diagnostics); PubMed 25085752 (cited by Myriad Genetics, Inc.); PubMed 28779002 (cited by Athena Diagnostics and Quest Diagnostics Nichols Institute San Juan Capistrano).

NM_000051.4(ATM):c.3154-4G>A

Gene: ATM (ATM serine/threonine kinase; plus strand). Cytogenetic location: 11q22.3.
Variant type: single nucleotide variant.
Coding change: c.3154-4G>A on transcript NM_000051.4 (MANE Select); 4 bases into the intron before coding-DNA position 3154, G replaced by A.
Molecular consequence: intron variant.
Genome position (GRCh38, 1-based): chr11:108,272,718, G>A. VCF-style: chr11-108272718-G-A. GRCh37 (hg19) VCF-style: chr11-108143445-G-A.
Other names: p.?; c.3154-4G>A (NM_001351834.2).
Identifiers: ClinVar variation 142254 (VCV000142254.76), dbSNP rs199543313, ClinGen allele CA294338.